The following is an entry in ClinVar:

ClinVar aggregate classification (germline): Likely pathogenic (1 of 4 stars; one submission).

Conditions:
Alstrom syndrome (ALMS). Identifiers: Orphanet 64, MedGen C0268425, MONDO:0008763, OMIM 203800.

Submission:

Myriad Genetics, Inc.
Classification: Likely pathogenic for Alstrom syndrome. Last evaluated: 2022-02-28. Review status: criteria provided, single submitter. Criteria: Myriad Women's Health Autosomal Recessive and X-Linked Classification Criteria (2021). Collection method: clinical testing. Allele origin: unknown.
Comment: NM_015120.4(ALMS1):c.8438T>A(L2813*) is expected to be pathogenic in the context of Alstrom syndrome. This variant is predicted to lead to an abnormal or absent protein product due to the creation of a premature termination codon in ALMS1, a gene where loss-of-function variants are known to be pathogenic. Please note: this variant was assessed in the context of healthy population screening.

NM_001378454.1(ALMS1):c.8435T>A (p.Leu2812Ter)

Gene: ALMS1 (ALMS1 centrosome and basal body associated protein; plus strand). Cytogenetic location: 2p13.1.
Variant type: single nucleotide variant.
Coding change: c.8435T>A on transcript NM_001378454.1 (MANE Select); coding-DNA position 8435, T replaced by A.
Protein change: p.Leu2812Ter; replaces leucine 2812 with a stop codon.
Molecular consequence: nonsense.
Genome position (GRCh38, 1-based): chr2:73,490,394, T>A. VCF-style: chr2-73490394-T-A. GRCh37 (hg19) VCF-style: chr2-73717521-T-A.
Other names: c.8438T>A, p.Leu2813Ter (NM_015120.4); short protein forms L2812*, L2813*.
Identifiers: ClinVar variation 1724824 (VCV001724824.2), dbSNP rs2466215745, ClinGen allele CA347268857.